The following is an entry in ClinVar:

ClinVar aggregate classification (germline): Uncertain significance. Review status: criteria provided, multiple submitters, no conflicts (2 of 4 stars). 2 submissions from 2 submitters: Uncertain significance (2). Last evaluated 2026-07-21.

Allele frequency attached by ClinVar (database versions not stated): TOPMed 0.00021; 1000 Genomes Project 30x 0.00016.
gnomAD v4.1: 676 of 1,612,818 alleles (0.042%); highest among the groups gnomAD compares: Non-Finnish European, 0.053%; no homozygotes.

Submissions (2):

GeneDx
Classification: Uncertain significance. Last evaluated: 2026-07-21. Review status: criteria provided, single submitter. Criteria: GeneDx Variant Classification Process June 2021. Collection method: clinical testing. Allele origin: germline.
Comment: In silico analysis suggests that this missense variant does not alter protein structure/function; Has not been previously published as pathogenic or benign to our knowledge

Labcorp Genetics (formerly Invitae), Labcorp
Classification: Uncertain significance. Last evaluated: 2024-01-11. Review status: criteria provided, single submitter. Criteria: Invitae Variant Classification Sherloc (09022015). Collection method: clinical testing. Allele origin: germline.
Comment: This sequence change replaces histidine, which is basic and polar, with glutamine, which is neutral and polar, at codon 114 of the SCO1 protein (p.His114Gln). This variant is present in population databases (rs142330047, gnomAD 0.05%). This variant has not been reported in the literature in individuals affected with SCO1-related conditions. ClinVar contains an entry for this variant (Variation ID: 215118). Advanced modeling of protein sequence and biophysical properties (such as structural, functional, and spatial information, amino acid conservation, physicochemical variation, residue mobility, and thermodynamic stability) performed at Invitae indicates that this missense variant is not expected to disrupt SCO1 protein function with a negative predictive value of 80%. In summary, the available evidence is currently insufficient to determine the role of this variant in disease. Therefore, it has been classified as a Variant of Uncertain Significance.

NM_004589.4(SCO1):c.342C>A (p.His114Gln)

Gene: SCO1 (synthesis of cytochrome C oxidase 1; minus strand). Cytogenetic location: 17p13.1.
Variant type: single nucleotide variant.
Coding change: c.342C>A on transcript NM_004589.4 (MANE Select); coding-DNA position 342, C replaced by A.
Protein change: p.His114Gln; replaces histidine 114 with glutamine.
Molecular consequence: missense variant.
Genome position (GRCh38, 1-based): chr17:10,695,763, G>T on the plus strand (C>A on the coding strand, the complement: SCO1 is on the minus strand). VCF-style: chr17-10695763-G-T. GRCh37 (hg19) VCF-style: chr17-10599080-G-T.
Other names: short protein forms H114Q.
Identifiers: ClinVar variation 215118 (VCV000215118.7), dbSNP rs142330047, ClinGen allele CA325314.